The following is an entry in ClinVar:

NM_031924.8(RSPH3):c.10G>A (p.Ala4Thr)

Gene: RSPH3 (radial spoke head 3; minus strand). Cytogenetic location: 6q25.3.
Variant type: single nucleotide variant.
Coding change: c.10G>A on transcript NM_031924.8 (MANE Select); coding-DNA position 10, G replaced by A.
Protein change: p.Ala4Thr; replaces alanine 4 with threonine.
Molecular consequence: missense variant. On other transcripts: non-coding transcript variant (1).
Genome position (GRCh38, 1-based): chr6:158,999,541, C>T on the plus strand (G>A on the coding strand, the complement: RSPH3 is on the minus strand). VCF-style: chr6-158999541-C-T. GRCh37 (hg19) VCF-style: chr6-159420573-C-T.
Other names: c.436G>A, p.Ala146Thr (NM_001346418.1); short protein forms A146T, A4T.
Identifiers: ClinVar variation 542466 (VCV000542466.7), dbSNP rs1395283062, ClinGen allele CA366285156.

ClinVar aggregate classification (germline): Uncertain significance. Review status: criteria provided, multiple submitters, no conflicts (2 of 4 stars). 2 submissions from 2 submitters: Uncertain significance (2). Last evaluated 2024-08-14.

Conditions:
Primary ciliary dyskinesia 32. Also called: CILIARY DYSKINESIA, PRIMARY, 32, WITHOUT SITUS INVERSUS. Identifiers: Orphanet 244, MedGen C4225311, MONDO:0014657, OMIM 616481.
Inborn genetic diseases. Identifiers: MedGen C0950123, MeSH D030342.

Allele frequency attached by ClinVar (database versions not stated): gnomAD exomes below 0.00001; gnomAD 0.00001; TOPMed 0.00002.

Submissions (2):

Ambry Genetics
Classification: Uncertain significance for Inborn genetic diseases. Last evaluated: 2024-08-14. Review status: criteria provided, single submitter. Criteria: Ambry Variant Classification Scheme 2023. Collection method: clinical testing. Allele origin: germline.

Labcorp Genetics (formerly Invitae), Labcorp
Classification: Uncertain significance for Primary ciliary dyskinesia 32. Last evaluated: 2021-09-01. Review status: criteria provided, single submitter. Criteria: Invitae Variant Classification Sherloc (09022015). Collection method: clinical testing. Allele origin: germline.
Comment: This sequence change replaces alanine with threonine at codon 146 of the RSPH3 protein (p.Ala146Thr). The alanine residue is weakly conserved and there is a small physicochemical difference between alanine and threonine. This variant is not present in population databases (ExAC no frequency). This variant has not been reported in the literature in individuals affected with RSPH3-related conditions. Algorithms developed to predict the effect of missense changes on protein structure and function output the following: SIFT: "Tolerated"; PolyPhen-2: "Benign"; Align-GVGD: "Class C0". The threonine amino acid residue is found in multiple mammalian species, which suggests that this missense change does not adversely affect protein function. In summary, the available evidence is currently insufficient to determine the role of this variant in disease. Therefore, it has been classified as a Variant of Uncertain Significance.